The following is an entry in ClinVar:

NM_001191057.4(PDE1C):c.1513A>G (p.Ser505Gly)

Gene: PDE1C (phosphodiesterase 1C; minus strand). Cytogenetic location: 7p14.3.
Variant type: single nucleotide variant.
Coding change: c.1513A>G on transcript NM_001191057.4 (MANE Select); coding-DNA position 1513, A replaced by G.
Protein change: p.Ser505Gly; replaces serine 505 with glycine.
Molecular consequence: missense variant.
Genome position (GRCh38, 1-based): chr7:31,823,142, T>C on the plus strand (A>G on the coding strand, the complement: PDE1C is on the minus strand). VCF-style: chr7-31823142-T-C. GRCh37 (hg19) VCF-style: chr7-31862756-T-C.
Other names: c.1693A>G (NM_001191058.3); c.1918A>G, p.Ser640Gly (NM_001322059.2); c.1513A>G, p.Ser505Gly (NM_005020.5, NM_001191056.3, NM_001191059.4 and 3 more transcripts); c.1693A>G, p.Ser565Gly (NM_001191058.4, NM_001322058.2); short protein forms S505G, S565G, S640G.
Identifiers: ClinVar variation 1711654 (VCV001711654.31), dbSNP rs61745829, ClinGen allele CA4210898.
Genomic context (GRCh38, chr7:31,823,142, plus strand): 5'-CCTTGGCCCTCCATCTCTCCCGATTGATGTGCACCACTTCCGTCCAAGTAGCTTTAAAGC[T>C]CTTATAGTCAACGGAGATGACAGAATTGTTGATCGGGGCACTTCCCTCTGAACCAGAGGT-3'
Protein context (NP_001177986.1, residues 495-515): NNSVISVDYK[Ser505Gly]FKATWTEVVH

ClinVar aggregate classification (germline): Benign. Review status: criteria provided, single submitter (1 of 4 stars). 2 submissions from 2 submitters: Benign (1). 1 of the submissions does not count toward it. Last evaluated 2022-08-01.

Conditions:
PDE1C-related disorder. Also called: PDE1C-related condition.

Allele frequency attached by ClinVar (database versions not stated): 1000 Genomes Project 0.00599; 1000 Genomes Project 30x 0.00625; ExAC 0.00809; gnomAD 0.00910; ESP Exome Variant Server 0.00923; TOPMed 0.00960; gnomAD exomes 0.01236.
gnomAD v4.1: 19,372 of 1,613,388 alleles (1.2%); highest among the groups gnomAD compares: Non-Finnish European, 1.4%; 155 homozygotes.

Submissions (2):

CeGaT Center for Human Genetics Tuebingen
Classification: Benign. Last evaluated: 2022-08-01. Review status: criteria provided, single submitter. Criteria: CeGaT Center For Human Genetics Tuebingen Variant Classification Criteria Version 2. Collection method: clinical testing. Allele origin: germline. Affected: yes. Observed: 2 variant alleles.
Comment: PDE1C: BP4, BS1, BS2

PreventionGenetics, part of Exact Sciences
Classification: Benign for PDE1C-related condition. Last evaluated: 2019-08-28. Review status: no assertion criteria provided. Collection method: clinical testing. Allele origin: germline. Not counted in ClinVar's aggregate classification.
Comment: This variant is classified as benign based on ACMG/AMP sequence variant interpretation guidelines (Richards et al. 2015 PMID: 25741868, with internal and published modifications).